The following is an entry in ClinVar:

ClinVar aggregate classification (germline): Likely benign. Review status: criteria provided, multiple submitters, no conflicts (2 of 4 stars). 2 submissions from 2 submitters: Likely benign (2). Last evaluated 2026-06-08.

Conditions:
ACBD5-related disorder. Also called: ACBD5-related condition.

Allele frequency attached by ClinVar (database versions not stated): gnomAD below 0.00001 and 0.00022; TOPMed 0.00003; gnomAD exomes 0.00059; ExAC 0.00060; 1000 Genomes Project 0.00080; 1000 Genomes Project 30x 0.00109.
gnomAD v4.1: 497 of 1,613,930 alleles (0.031%); highest among the groups gnomAD compares: South Asian, 0.52%; 8 homozygotes.

Submissions (2):

PreventionGenetics, part of Exact Sciences
Classification: Likely benign for ACBD5-related condition. Last evaluated: 2026-06-08. Review status: criteria provided, single submitter. Criteria: ACMG Guidelines, 2015. Collection method: clinical testing. Allele origin: germline.
Comment: This variant is classified as likely benign based on ACMG/AMP sequence variant interpretation guidelines (Richards et al. 2015 PMID: 25741868, with internal and published modifications).

Labcorp Genetics (formerly Invitae), Labcorp
Classification: Likely benign. Last evaluated: 2024-12-16. Review status: criteria provided, single submitter. Criteria: Invitae Variant Classification Sherloc (09022015). Collection method: clinical testing. Allele origin: germline.

NM_145698.5(ACBD5):c.460A>G (p.Lys154Glu)

Gene: ACBD5 (acyl-CoA binding domain containing 5; minus strand). Cytogenetic location: 10p12.1.
Variant type: single nucleotide variant.
Coding change: c.460A>G on transcript NM_145698.5 (MANE Select); coding-DNA position 460, A replaced by G.
Protein change: p.Lys154Glu; replaces lysine 154 with glutamic acid.
Molecular consequence: missense variant.
Genome position (GRCh38, 1-based): chr10:27,223,368, T>C on the plus strand (A>G on the coding strand, the complement: ACBD5 is on the minus strand). VCF-style: chr10-27223368-T-C. GRCh37 (hg19) VCF-style: chr10-27512297-T-C.
Other names: c.355A>G, p.Lys119Glu (NM_001042473.4, NM_001352580.2, NM_001352582.2 and 6 more transcripts); c.454A>G, p.Lys152Glu (NM_001271512.3, NM_001352586.1, NM_001352587.1 and 1 more transcripts); c.133A>G, p.Lys45Glu (NM_001301251.2, NM_001301252.2, NM_001301253.2 and 4 more transcripts); c.481A>G, p.Lys161Glu (NM_001352568.1, NM_001352572.1); c.460A>G, p.Lys154Glu (NM_001352569.1, NM_001352570.1, NM_001352581.1 and 2 more transcripts); short protein forms K119E, K152E, K154E, K161E, K45E.
Identifiers: ClinVar variation 741917 (VCV000741917.11), dbSNP rs569494816, ClinGen allele CA5450951.